The following is an entry in ClinVar:

NM_001042492.3(NF1):c.7092del (p.Asn2365fs)

Gene: NF1 (neurofibromin 1; plus strand). Cytogenetic location: 17q11.2.
Variant type: Deletion.
Coding change: c.7092del on transcript NM_001042492.3 (MANE Select); coding-DNA position 7092, one base deleted (G; older notation c.7092delG).
Protein change: p.Asn2365fs; shifts the reading frame from asparagine 2365.
Molecular consequence: frameshift variant.
Genome position (GRCh38, 1-based): chr17:31,343,038, G deleted; the last of 2 consecutive G bases (chr17:31,343,037-31,343,038); deleting either gives the same sequence. VCF-style (leftmost placement, unchanged base first): chr17-31343036-CG-C. GRCh37 (hg19) VCF-style: chr17-29670054-CG-C.
Other names: c.7029delG, p.Asn2344Ilefs (NM_000267.4); short protein forms N2344fs, N2365fs.
Identifiers: ClinVar variation 1455834 (VCV001455834.6), dbSNP rs2151565015, ClinGen allele CA2573153903.
Genomic context (GRCh38, chr17:31,343,036, plus strand): 5'-CCTCATCAACCATCTCATGATTATCTTTAATAGAGTCCAGAGGAAGTATTTATGGCAATC[CG>C]GAATCCTCTGGAGTGGCACTGCAAGCAAATGGATCATTTTGTTGGACTCAATTTCAACTC-3'

ClinVar aggregate classification (germline): Pathogenic (1 of 4 stars; one submission).

Conditions:
Neurofibromatosis, type 1 (NF1). Also called: Neurofibromatosis, type I; VON RECKLINGHAUSEN DISEASE; NEUROFIBROMATOSIS, TYPE I, SOMATIC; Peripheral type neurofibromatosis. Identifiers: Orphanet 636, MedGen C0027831, MONDO:0018975, OMIM 162200. Disease mechanism: loss of function.

Submission:

Labcorp Genetics (formerly Invitae), Labcorp
Classification: Pathogenic for Neurofibromatosis, type 1. Last evaluated: 2021-01-01. Review status: criteria provided, single submitter. Criteria: Invitae Variant Classification Sherloc (09022015). Collection method: clinical testing. Allele origin: germline.
Comment: This sequence change creates a premature translational stop signal (p.Asn2344Ilefs*31) in the NF1 gene. It is expected to result in an absent or disrupted protein product. Loss-of-function variants in NF1 are known to be pathogenic (PMID: 10712197, 23913538). This variant is not present in population databases (ExAC no frequency). This variant has not been reported in the literature in individuals with NF1-related conditions. For these reasons, this variant has been classified as Pathogenic.

Literature cited by the submitters: PubMed 10712197; PubMed 23913538.